The following is an entry in ClinVar:

NM_000315.4(PTH):c.69G>A (p.Ser23=)

Gene: PTH (parathyroid hormone; minus strand). Cytogenetic location: 11p15.3.
Variant type: single nucleotide variant.
Coding change: c.69G>A on transcript NM_000315.4 (MANE Select); coding-DNA position 69, G replaced by A.
Protein change: p.Ser23=; no amino-acid change (serine 23 retained).
Molecular consequence: synonymous variant.
Genome position (GRCh38, 1-based): chr11:13,492,787, C>T on the plus strand (G>A on the coding strand, the complement: PTH is on the minus strand). VCF-style: chr11-13492787-C-T. GRCh37 (hg19) VCF-style: chr11-13514334-C-T.
Other names: c.165G>A, p.Ser55= (NM_001316352.2).
Identifiers: ClinVar variation 880247 (VCV000880247.4), dbSNP rs377308600, ClinGen allele CA5893217.
Genomic context (GRCh38, chr11:13,492,787, plus strand): 5'-AGTCAACATTAAAAATCCAATTCCAAGGCAAAACAGTACTTACTTAACAGATTTCCCATC[C>T]GATTTTGTAAGAAAACAAATTGCCAACATGACAATCATAACTTTAGCCATGTCTTTTGCA-3'
Protein context (NP_000306.1, residues 13-33): VMLAICFLTK[Ser23=]DGKSVKKRSV

ClinVar aggregate classification (germline): Benign (1 of 4 stars; one submission).

Conditions:
Familial hypoparathyroidism. Also called: Familial isolated hypoparathyroidism. Identifiers: Orphanet 2238, MedGen C1832648, MONDO:0016390.

Allele frequency attached by ClinVar (database versions not stated): gnomAD exomes 0.00001 and 0.00005; TOPMed 0.00002; gnomAD 0.00003; ExAC 0.00004; ESP Exome Variant Server 0.00008.
gnomAD v4.1: 24 of 1,613,778 alleles (0.0015%); highest among the groups gnomAD compares: East Asian, 0.018%; no homozygotes.

Submission:

Illumina Laboratory Services, Illumina
Classification: Benign for Hypoparathyroidism, familial isolated 1. Last evaluated: 2018-01-13. Review status: criteria provided, single submitter. Criteria: ICSL Variant Classification Criteria 13 December 2019. Collection method: clinical testing. Allele origin: germline.
Comment: This variant was observed in the ICSL laboratory as part of a predisposition screen in an ostensibly healthy population. It had not been previously curated by ICSL or reported in the Human Gene Mutation Database (HGMD: prior to June 1st, 2018), and was therefore a candidate for classification through an automated scoring system. Utilizing variant allele frequency, disease prevalence and penetrance estimates, and inheritance mode, an automated score was calculated to assess if this variant is too frequent to cause the disease. Based on the score and internal cut-off values, a variant classified as benign is not then subjected to further curation. The score for this variant resulted in a classification of benign for this disease.